The following is an entry in ClinVar:

NM_001098426.2(SMARCD2):c.94G>A (p.Ala32Thr)

Genes: SMARCD2 (SWI/SNF related BAF chromatin remodeling complex subunit D2; minus strand), LOC130061409 (ATAC-STARR-seq lymphoblastoid silent region 8832; plus strand). Cytogenetic location: 17q23.3.
Variant type: single nucleotide variant.
Coding change: c.94G>A on transcript NM_001098426.2 (MANE Select); coding-DNA position 94, G replaced by A.
Protein change: p.Ala32Thr; replaces alanine 32 with threonine.
Molecular consequence: missense variant.
Genome position (GRCh38, 1-based): chr17:63,842,581, C>T on the plus strand (G>A on the coding strand, the complement: SMARCD2 is on the minus strand). VCF-style: chr17-63842581-C-T. GRCh37 (hg19) VCF-style: chr17-61919941-C-T.
Other names: short protein forms A32T.
Identifiers: ClinVar variation 1997757 (VCV001997757.4), dbSNP rs2511450961, ClinGen allele CA400602239.
Genomic context (GRCh38, chr17:63,842,581, plus strand): 5'-CCACGCCTCCTGCCGGACCCGGTCCCCGGAGCGCCGGTCCGGGCAGCATGCCGGGTCCCG[C>T]GGGGGGAGGCGGCGCTCCCAGGGCCGCAGCCACGGCGCCGCCGCCAGGGCTTAGCGGGGG-3'
Protein context (NP_001091896.1, residues 22-42): AAALGAPPPP[Ala32Thr]GPGMLPGPAL

ClinVar aggregate classification (germline): Uncertain significance (1 of 4 stars; one submission).

Submission:

Labcorp Genetics (formerly Invitae), Labcorp
Classification: Uncertain significance. Last evaluated: 2022-05-31. Review status: criteria provided, single submitter. Criteria: Invitae Variant Classification Sherloc (09022015). Collection method: clinical testing. Allele origin: germline.
Comment: This sequence change replaces alanine, which is neutral and non-polar, with threonine, which is neutral and polar, at codon 32 of the SMARCD2 protein (p.Ala32Thr). This variant is not present in population databases (gnomAD no frequency). This variant has not been reported in the literature in individuals affected with SMARCD2-related conditions. Algorithms developed to predict the effect of missense changes on protein structure and function output the following: SIFT: "Tolerated"; PolyPhen-2: "Not Available"; Align-GVGD: "Class C0". The threonine amino acid residue is found in multiple mammalian species, which suggests that this missense change does not adversely affect protein function. In summary, the available evidence is currently insufficient to determine the role of this variant in disease. Therefore, it has been classified as a Variant of Uncertain Significance.